The following is an entry in ClinVar:

ClinVar aggregate classification (germline): Pathogenic/Likely pathogenic. Review status: criteria provided, multiple submitters, no conflicts (2 of 4 stars). 5 submissions from 5 submitters: Pathogenic (2); Likely pathogenic (3). Last evaluated 2025-08-20.

Conditions:
Citrullinemia, type II, adult-onset (CDAA). Also called: CITRIN DEFICIENCY, ADOLESCENT OR ADULT ONSET. Identifiers: Orphanet 247585, MedGen CN295299, MONDO:0011326, OMIM 603471.
Citrullinemia. Identifiers: Orphanet 187, MedGen C0175683, MONDO:0015991.
Citrin deficiency. Identifiers: Orphanet 247582, MedGen C1997910, MONDO:0016602.
Neonatal intrahepatic cholestasis due to citrin deficiency (CDNI). Also called: Neonatal-onset citrullinemia type II; Neonatal-onset citrullinemia type 2; CITRIN DEFICIENCY, NEONATAL OR INFANTILE ONSET; Neonatal Intrahepatic Cholestasis Caused by Citrin Deficiency (NICCD). Identifiers: Orphanet 247598, MedGen C1853942, MONDO:0011601, OMIM 605814.

Allele frequency attached by ClinVar (database versions not stated): gnomAD exomes below 0.00001 and 0.00001; TOPMed 0.00002; gnomAD 0.00001.
gnomAD v4.1: 13 of 1,610,270 alleles (0.00081%); highest among the groups gnomAD compares: African/African-American, 0.0027%; no homozygotes.

Submissions (5):

Natera, Inc.
Classification: Likely pathogenic for Citrullinemia. Last evaluated: 2025-08-20. Review status: criteria provided, single submitter. Criteria: Natera Variant Classification Schema (03/2026). Collection method: clinical testing. Allele origin: germline.
Comment: The c.70-1G>A variant in SLC25A13 is a canonical splice acceptor site variant predicted to affect pre-mRNA splicing, which may result in an abnormal transcript and altered protein product. This variant is expected to result in nonsense mediated decay, truncation, or a dysfunctional protein product. This variant is rare in the general population with a frequency below the threshold expected for the associated phenotype(s). Given the available evidence, this variant is classified as Likely Pathogenic.

Baylor Genetics
Classification: Pathogenic for Citrullinemia, type II, adult-onset. Last evaluated: 2024-03-17. Review status: criteria provided, single submitter. Criteria: ACMG Guidelines, 2015. Collection method: clinical testing. Allele origin: unknown.

Fulgent Genetics
Classification: Likely pathogenic for Citrullinemia, type II, adult-onset; Neonatal intrahepatic cholestasis due to citrin deficiency. Last evaluated: 2024-03-16. Review status: criteria provided, single submitter. Criteria: ACMG Guidelines, 2015. Collection method: clinical testing. Allele origin: germline.

Labcorp Genetics (formerly Invitae), Labcorp
Classification: Likely pathogenic for Citrin deficiency. Last evaluated: 2023-12-30. Review status: criteria provided, single submitter. Criteria: Invitae Variant Classification Sherloc (09022015). Collection method: clinical testing. Allele origin: germline.
Comment: This sequence change affects an acceptor splice site in intron 2 of the SLC25A13 gene. It is expected to disrupt RNA splicing. Variants that disrupt the donor or acceptor splice site typically lead to a loss of protein function (PMID: 16199547), and loss-of-function variants in SLC25A13 are known to be pathogenic (PMID: 10369257, 14680984, 27405544). This variant is present in population databases (no rsID available, gnomAD 0.0009%). This variant has not been reported in the literature in individuals affected with SLC25A13-related conditions. ClinVar contains an entry for this variant (Variation ID: 593512). Algorithms developed to predict the effect of sequence changes on RNA splicing suggest that this variant may disrupt the consensus splice site. In summary, the currently available evidence indicates that the variant is pathogenic, but additional data are needed to prove that conclusively. Therefore, this variant has been classified as Likely Pathogenic.

Eurofins Ntd Llc (ga)
Classification: Pathogenic. Last evaluated: 2017-08-04. Review status: criteria provided, single submitter. Criteria: EGL Classification Definitions 2015. Collection method: clinical testing. Allele origin: germline. Observed: 1 variant allele, 1 heterozygote.

Literature cited by the submitters: PubMed 16199547 (cited by Labcorp Genetics (formerly Invitae), Labcorp); PubMed 10369257 (cited by Labcorp Genetics (formerly Invitae), Labcorp); PubMed 14680984 (cited by Labcorp Genetics (formerly Invitae), Labcorp); PubMed 27405544 (cited by Labcorp Genetics (formerly Invitae), Labcorp).

NM_014251.3(SLC25A13):c.70-1G>A

Gene: SLC25A13 (solute carrier family 25 member 13; minus strand). Cytogenetic location: 7q21.3.
Variant type: single nucleotide variant.
Coding change: c.70-1G>A on transcript NM_014251.3 (MANE Select); the canonical splice acceptor site of the intron before coding-DNA position 70, G replaced by A.
Molecular consequence: splice acceptor variant.
Genome position (GRCh38, 1-based): chr7:96,277,339, C>T on the plus strand (G>A on the coding strand, the complement: SLC25A13 is on the minus strand). VCF-style: chr7-96277339-C-T. GRCh37 (hg19) VCF-style: chr7-95906651-C-T.
Other names: c.70-1G>A (NM_001160210.2).
Identifiers: ClinVar variation 593512 (VCV000593512.17), dbSNP rs962082210, ClinGen allele CA163519727.
Genomic context (GRCh38, chr7:96,277,339, plus strand): 5'-TCGAGTGACAAAGTCATTGGGGGACATGAAAAATTCACCGTTTTTCTCAATGCTTGCATA[C>T]TGTTTAAAAAAAAGAAAAACAGTATTTTATATATTTGATTTTCAACAGTATATAATCATG-3'